The following is an entry in ClinVar:

NM_018389.5(SLC35C1):c.14C>T (p.Pro5Leu)

Gene: SLC35C1 (solute carrier family 35 member C1; plus strand). Cytogenetic location: 11p11.2.
Variant type: single nucleotide variant.
Coding change: c.14C>T on transcript NM_018389.5 (MANE Select); coding-DNA position 14, C replaced by T.
Protein change: p.Pro5Leu; replaces proline 5 with leucine.
Molecular consequence: missense variant. On other transcripts: 5 prime UTR variant (1).
Genome position (GRCh38, 1-based): chr11:45,805,815, C>T. VCF-style: chr11-45805815-C-T. GRCh37 (hg19) VCF-style: chr11-45827366-C-T.
Other names: c.-26C>T (NM_001145265.2, NM_001145266.2); short protein forms P5L.
Identifiers: ClinVar variation 1467061 (VCV001467061.6), dbSNP rs2085864641, ClinGen allele CA380201929.
Genomic context (GRCh38, chr11:45,805,815, plus strand): 5'-AGGGAATCAGAGTTCTGGCCGCGGGGTGACCCAGCTCCTCTGCTACCATGAATAGGGCCC[C>T]TCTGAAGCGGTCCAGGATCCTGCACATGGCGCTGACCGGGGCCTCAGACCCCTCTGCAGA-3'
Protein context (NP_060859.4, residues 1-15): MNRA[Pro5Leu]LKRSRILHMA

ClinVar aggregate classification (germline): Uncertain significance (1 of 4 stars; one submission).

Conditions:
Leukocyte adhesion deficiency type II. Also called: Congenital disorder of glycosylation type 2C; CDG 2C; Leukocyte adhesion deficiency type 2; Rambam Hasharon syndrome; CONGENITAL DISORDER OF GLYCOSYLATION, TYPE IIc; CDG IIc. Identifiers: Orphanet 2968, Orphanet 99843, MedGen C0398739, MONDO:0009953, OMIM 266265.

Allele frequency attached by ClinVar (database versions not stated): TOPMed 0.00001.
gnomAD v4.1: 2 of 1,613,748 alleles (0.00012%); highest among the groups gnomAD compares: Non-Finnish European, 0.000085%; no homozygotes.

Submission:

Labcorp Genetics (formerly Invitae), Labcorp
Classification: Uncertain significance for Leukocyte adhesion deficiency type II. Last evaluated: 2021-01-08. Review status: criteria provided, single submitter. Criteria: Invitae Variant Classification Sherloc (09022015). Collection method: clinical testing. Allele origin: germline.
Comment: This sequence change replaces proline with leucine at codon 5 of the SLC35C1 protein (p.Pro5Leu). The proline residue is weakly conserved and there is a moderate physicochemical difference between proline and leucine. This variant is not present in population databases (ExAC no frequency). This variant has not been reported in the literature in individuals with SLC35C1-related conditions. Algorithms developed to predict the effect of missense changes on protein structure and function (SIFT, PolyPhen-2, Align-GVGD) all suggest that this variant is likely to be tolerated, but these predictions have not been confirmed by published functional studies and their clinical significance is uncertain. In summary, the available evidence is currently insufficient to determine the role of this variant in disease. Therefore, it has been classified as a Variant of Uncertain Significance.